The following is an entry in ClinVar:

NM_000937.5(POLR2A):c.5536T>C (p.Tyr1846His)

Gene: POLR2A (RNA polymerase II subunit A; plus strand). Cytogenetic location: 17p13.1.
Variant type: single nucleotide variant.
Coding change: c.5536T>C on transcript NM_000937.5 (MANE Select); coding-DNA position 5536, T replaced by C.
Protein change: p.Tyr1846His; replaces tyrosine 1846 with histidine.
Molecular consequence: missense variant.
Genome position (GRCh38, 1-based): chr17:7,513,802, T>C. VCF-style: chr17-7513802-T-C. GRCh37 (hg19) VCF-style: chr17-7417119-T-C.
Other names: short protein forms Y1846H.
Identifiers: ClinVar variation 3360129 (VCV003360129.2).

ClinVar aggregate classification (germline): Uncertain significance (1 of 4 stars; one submission).

Submission:

GeneDx
Classification: Uncertain significance. Last evaluated: 2026-07-30. Review status: criteria provided, single submitter. Criteria: GeneDx Variant Classification Process June 2021. Collection method: clinical testing. Allele origin: germline.
Comment: Not observed at significant frequency in large population cohorts (gnomAD); In silico analysis supports that this missense variant has a deleterious effect on protein structure/function; Has not been previously published as pathogenic or benign to our knowledge